The following is an entry in ClinVar:

ClinVar aggregate classification (germline): Uncertain significance. Review status: criteria provided, multiple submitters, no conflicts (2 of 4 stars). 4 submissions from 3 submitters: Uncertain significance (4). Last evaluated 2022-07-14.

Conditions:
Emery-Dreifuss muscular dystrophy 4, autosomal dominant (EDMD4). Also called: EMERY-DREIFUSS MUSCULAR DYSTROPHY 4 WITH VARIABLE FEATURES. Identifiers: Orphanet 261, MedGen C2751807, MONDO:0013071, OMIM 612998.
Autosomal recessive ataxia, Beauce type. Also called: SYNE1-Related Autosomal Recessive Cerebellar Ataxia; Spinocerebellar ataxia, autosomal recessive 8; ATAXIA, RECESSIVE, OF BEAUCE; SYNE1 Deficiency. Identifiers: Orphanet 88644, MedGen C1853116, MONDO:0012549, OMIM 610743.

Allele frequency attached by ClinVar (database versions not stated): gnomAD exomes below 0.00001; TOPMed below 0.00001; gnomAD 0.00001.
gnomAD v4.1: 5 of 1,614,012 alleles (0.00031%); highest among the groups gnomAD compares: Non-Finnish European, 0.00042%; no homozygotes.

Submissions (4):

Blueprint Genetics
Classification: Uncertain significance. Last evaluated: 2022-07-14. Review status: criteria provided, single submitter. Criteria: ACMG Guidelines, 2015. Collection method: clinical testing. Allele origin: germline.

Labcorp Genetics (formerly Invitae), Labcorp
Classification: Uncertain significance for Emery-Dreifuss muscular dystrophy 4, autosomal dominant; Autosomal recessive ataxia, Beauce type. Last evaluated: 2019-10-05. Review status: criteria provided, single submitter. Criteria: Invitae Variant Classification Sherloc (09022015). Collection method: clinical testing. Allele origin: germline.
Comment: In summary, the available evidence is currently insufficient to determine the role of this variant in disease. Therefore, it has been classified as a Variant of Uncertain Significance. Algorithms developed to predict the effect of missense changes on protein structure and function are either unavailable or do not agree on the potential impact of this missense change (SIFT: "Deleterious"; PolyPhen-2: "Benign"; Align-GVGD: "Class C0"). This variant has not been reported in the literature in individuals with SYNE1-related conditions. ClinVar contains an entry for this variant (Variation ID: 355932). This variant is not present in population databases (ExAC no frequency). This sequence change replaces aspartic acid with histidine at codon 1135 of the SYNE1 protein (p.Asp1135His). The aspartic acid residue is highly conserved and there is a moderate physicochemical difference between aspartic acid and histidine.

Illumina Laboratory Services, Illumina
Classification: Uncertain significance for Emery-Dreifuss muscular dystrophy 4, autosomal dominant. Last evaluated: 2018-01-13. Review status: criteria provided, single submitter. Criteria: ICSL Variant Classification Criteria 13 December 2019. Collection method: clinical testing. Allele origin: germline.

Illumina Laboratory Services, Illumina
Classification: Uncertain significance for Autosomal recessive ataxia, Beauce type. Last evaluated: 2018-01-13. Review status: criteria provided, single submitter. Criteria: ICSL Variant Classification Criteria 13 December 2019. Collection method: clinical testing. Allele origin: germline.

NM_182961.4(SYNE1):c.3382G>C (p.Asp1128His)

Gene: SYNE1 (spectrin repeat containing nuclear envelope protein 1; minus strand). Cytogenetic location: 6q25.2.
Variant type: single nucleotide variant.
Coding change: c.3382G>C on transcript NM_182961.4 (MANE Select); coding-DNA position 3382, G replaced by C.
Protein change: p.Asp1128His; replaces aspartic acid 1128 with histidine.
Molecular consequence: missense variant.
Genome position (GRCh38, 1-based): chr6:152,450,638, C>G on the plus strand (G>C on the coding strand, the complement: SYNE1 is on the minus strand). VCF-style: chr6-152450638-C-G. GRCh37 (hg19) VCF-style: chr6-152771773-C-G.
Other names: c.3403G>C, p.Asp1135His (NM_033071.5); short protein forms D1128H, D1135H.
Identifiers: ClinVar variation 355932 (VCV000355932.15), dbSNP rs886061213, ClinGen allele CA10626207.
Genomic context (GRCh38, chr6:152,450,638, plus strand): 5'-GAATTAAGTTTGACTACACCCCTCTCTGGAGGCCATTCTGAGGCTACCTGCTAGTGTAGT[C>G]CTTCCACTTGTCTGGGTCTTCCATGAGCTTCCTGTAGGTGCTGTCAATGGCAGCTCTGAG-3'
Protein context (NP_892006.3, residues 1118-1138): KLMEDPDKWK[Asp1128His]YTSRFSEFSS